The following is an entry in ClinVar:

NM_004360.5(CDH1):c.2160G>T (p.Leu720Phe)

Gene: CDH1 (cadherin 1; plus strand). Cytogenetic location: 16q22.1.
Variant type: single nucleotide variant.
Coding change: c.2160G>T on transcript NM_004360.5 (MANE Select); coding-DNA position 2160, G replaced by T.
Protein change: p.Leu720Phe; replaces leucine 720 with phenylalanine.
Molecular consequence: missense variant.
Genome position (GRCh38, 1-based): chr16:68,823,622, G>T. VCF-style: chr16-68823622-G-T. GRCh37 (hg19) VCF-style: chr16-68857525-G-T.
Other names: c.1977G>T, p.Leu659Phe (NM_001317184.2); c.612G>T, p.Leu204Phe (NM_001317185.2); c.195G>T, p.Leu65Phe (NM_001317186.2); short protein forms L204F, L65F, L659F, L720F.
Identifiers: ClinVar variation 2008791 (VCV002008791.4), dbSNP rs2152139683, ClinGen allele CA396467964.

ClinVar aggregate classification (germline): Uncertain significance (1 of 4 stars; one submission).

Conditions:
Hereditary diffuse gastric adenocarcinoma (HDGC). Also called: DIFFUSE GASTRIC AND LOBULAR BREAST CANCER SYNDROME. Identifiers: Orphanet 26106, MedGen C1708349, MONDO:0007648, OMIM 137215.

Submission:

Labcorp Genetics (formerly Invitae), Labcorp
Classification: Uncertain significance for Hereditary diffuse gastric adenocarcinoma. Last evaluated: 2022-06-21. Review status: criteria provided, single submitter. Criteria: Invitae Variant Classification Sherloc (09022015). Collection method: clinical testing. Allele origin: germline.
Comment: This sequence change replaces leucine, which is neutral and non-polar, with phenylalanine, which is neutral and non-polar, at codon 720 of the CDH1 protein (p.Leu720Phe). This variant is not present in population databases (gnomAD no frequency). This variant has not been reported in the literature in individuals affected with CDH1-related conditions. Algorithms developed to predict the effect of missense changes on protein structure and function output the following: SIFT: "Tolerated"; PolyPhen-2: "Benign"; Align-GVGD: "Class C0". The phenylalanine amino acid residue is found in multiple mammalian species, which suggests that this missense change does not adversely affect protein function. In summary, the available evidence is currently insufficient to determine the role of this variant in disease. Therefore, it has been classified as a Variant of Uncertain Significance.